The following is an entry in ClinVar:

ClinVar aggregate classification (germline): Benign. Review status: criteria provided, multiple submitters, no conflicts (2 of 4 stars). 3 submissions from 3 submitters: Benign (3). Last evaluated 2023-04-11.

Conditions:
Maple syrup urine disease (MSUD). Identifiers: Orphanet 511, MedGen C0024776, MeSH D008375, MONDO:0009563. Disease mechanism: loss of function.

Allele frequency attached by ClinVar (database versions not stated): gnomAD exomes 0.00275; gnomAD 0.02661; TOPMed 0.02834; 1000 Genomes Project 0.02955; 1000 Genomes Project 30x 0.03170.
gnomAD v4.1: 4,383 of 304,154 alleles (1.4%); highest among the groups gnomAD compares: African/African-American, 8.9%; 204 homozygotes.

Submissions (3):

Genome-Nilou Lab
Classification: Benign for Maple syrup urine disease type 1A. Last evaluated: 2023-04-11. Review status: criteria provided, single submitter. Criteria: ACMG Guidelines, 2015. Collection method: clinical testing. Allele origin: germline. Affected: no.

GeneDx
Classification: Benign. Last evaluated: 2020-03-02. Review status: criteria provided, single submitter. Criteria: GeneDx Variant Classification Process June 2021. Collection method: clinical testing. Allele origin: germline. Affected: yes.

Illumina Laboratory Services, Illumina
Classification: Benign for Maple syrup urine disease type 1A. Last evaluated: 2018-01-13. Review status: criteria provided, single submitter. Criteria: ICSL Variant Classification Criteria 13 December 2019. Collection method: clinical testing. Allele origin: germline.
Comment: This variant was observed in the ICSL laboratory as part of a predisposition screen in an ostensibly healthy population. It had not been previously curated by ICSL or reported in the Human Gene Mutation Database (HGMD: prior to June 1st, 2018), and was therefore a candidate for classification through an automated scoring system. Utilizing variant allele frequency, disease prevalence and penetrance estimates, and inheritance mode, an automated score was calculated to assess if this variant is too frequent to cause the disease. Based on the score and internal cut-off values, a variant classified as benign is not then subjected to further curation. The score for this variant resulted in a classification of benign for this disease.

NM_001918.5(DBT):c.*344G>T

Gene: DBT (dihydrolipoamide branched chain transacylase E2; minus strand). Cytogenetic location: 1p21.2.
Variant type: single nucleotide variant.
Coding change: c.*344G>T on transcript NM_001918.5 (MANE Select); 344 bases downstream of the stop codon, G replaced by T.
Molecular consequence: 3 prime UTR variant.
Genome position (GRCh38, 1-based): chr1:100,195,911, C>A on the plus strand (G>T on the coding strand, the complement: DBT is on the minus strand). VCF-style: chr1-100195911-C-A. GRCh37 (hg19) VCF-style: chr1-100661467-C-A.
Identifiers: ClinVar variation 291451 (VCV000291451.8), dbSNP rs58607634, ClinGen allele CA10607186.